The following is an entry in ClinVar:

ClinVar aggregate classification (germline): Benign. Review status: criteria provided, single submitter (1 of 4 stars). 4 submissions from 4 submitters: Benign (1). 3 of the submissions do not count toward it. Last evaluated 2025-10-01.

Conditions:
EXT1-related disorder. Also called: EXT1-related condition.
Multiple congenital exostosis (EXT). Also called: Multiple exostoses; MULTIPLE CARTILAGINOUS EXOSTOSES; Hereditary multiple exostoses; Hereditary multiple exostosis; Multiple osteochondromas; Hereditary multiple osteochondromas. Identifiers: Orphanet 321, MedGen C0015306, MONDO:0005508, HP:0002762.
Microcephaly. Also called: Microcephaly (disease). Identifiers: MedGen C4551563, MONDO:0001149, HP:0000252.

Allele frequency attached by ClinVar (database versions not stated): ExAC 0.00023; gnomAD exomes 0.00025 and 0.00011; 1000 Genomes Project 30x 0.00062; 1000 Genomes Project 0.00080; ESP Exome Variant Server 0.00008; gnomAD 0.00008 and 0.00012; TOPMed 0.00013.
gnomAD v4.1: 174 of 1,613,412 alleles (0.011%); highest among the groups gnomAD compares: East Asian, 0.35%; 1 homozygote.

Submissions (4):

Labcorp Genetics (formerly Invitae), Labcorp
Classification: Benign for Multiple congenital exostosis. Last evaluated: 2025-10-01. Review status: criteria provided, single submitter. Criteria: Invitae Variant Classification Sherloc (09022015). Collection method: clinical testing. Allele origin: germline.

PreventionGenetics, part of Exact Sciences
Classification: Likely benign for EXT1-related condition. Last evaluated: 2019-10-01. Review status: no assertion criteria provided. Collection method: clinical testing. Allele origin: germline. Not counted in ClinVar's aggregate classification.
Comment: This variant is classified as likely benign based on ACMG/AMP sequence variant interpretation guidelines (Richards et al. 2015 PMID: 25741868, with internal and published modifications).

ITMI
No classification provided. Condition: AllHighlyPenetrant. Last evaluated: 2013-09-19. Review status: no classification provided. Collection method: reference population. Allele origin: germline. Not counted in ClinVar's aggregate classification.
Comment: Please see associated publication for description of ethnicities

Department of Pediatrics, Samsung Medical Center, Samsung Medical Center
Classification: Uncertain significance for Microcephaly. Review status: no assertion criteria provided. Criteria: ACMG Guidelines, 2015. Collection method: research. Allele origin: germline. Affected: yes. Not counted in ClinVar's aggregate classification.

Literature cited by the submitters: PubMed 24728327 (cited by ITMI).

NM_000127.3(EXT1):c.1457C>T (p.Ala486Val)

Gene: EXT1 (exostosin glycosyltransferase 1; minus strand). Cytogenetic location: 8q24.11.
Variant type: single nucleotide variant.
Coding change: c.1457C>T on transcript NM_000127.3 (MANE Select); coding-DNA position 1457, C replaced by T.
Protein change: p.Ala486Val; replaces alanine 486 with valine.
Molecular consequence: missense variant.
Genome position (GRCh38, 1-based): chr8:117,819,755, G>A on the plus strand (C>T on the coding strand, the complement: EXT1 is on the minus strand). VCF-style: chr8-117819755-G-A. GRCh37 (hg19) VCF-style: chr8-118831994-G-A.
Other names: short protein forms A486V.
Identifiers: ClinVar variation 134202 (VCV000134202.12), dbSNP rs188859975, ClinGen allele CA159104.
Genomic context (GRCh38, chr8:117,819,755, plus strand): 5'-TTGGCTGCAGCCACGAGAAGCTTCAACACTGGCTGGGACTGAGAGACCAGGGGGGTCACC[G>A]CATGGATGACTGCAGTGAATTTGGAGGGGGGCTTTAAACCTGAAATAAAAAGGAGAGTAG-3'
Protein context (NP_000118.2, residues 476-496): PPSKFTAVIH[Ala486Val]VTPLVSQSQP